The following is an entry in ClinVar:

NM_001127222.2(CACNA1A):c.1355del (p.Phe452fs)

Gene: CACNA1A (calcium voltage-gated channel subunit alpha1 A; minus strand). Cytogenetic location: 19p13.13.
Variant type: Deletion.
Coding change: c.1355del on transcript NM_001127222.2 (MANE Select); coding-DNA position 1355, one base deleted (T; older notation c.1355delT).
Protein change: p.Phe452fs; shifts the reading frame from phenylalanine 452.
Molecular consequence: frameshift variant.
Genome position (GRCh38, 1-based): chr19:13,317,312, A deleted on the plus strand (T on the coding strand, the reverse complement: CACNA1A is on the minus strand); the first of 2 consecutive A bases (chr19:13,317,312-13,317,313); deleting either gives the same sequence. VCF-style (leftmost placement, unchanged base first): chr19-13317311-GA-G. GRCh37 (hg19) VCF-style: chr19-13428125-GA-G.
Other names: c.1358del, p.Phe453fs (NM_000068.4, NM_001127221.2, NM_001174080.2 and 1 more transcripts); short protein forms F453fs, F452fs.
Identifiers: ClinVar variation 2951629 (VCV002951629.3), dbSNP rs2512983397, ClinGen allele CA2740091958.

ClinVar aggregate classification (germline): Pathogenic (1 of 4 stars; one submission).

Conditions:
Episodic ataxia type 2 (EA2). Also called: CEREBELLAR ATAXIA, PAROXYSMAL, ACETAZOLAMIDE-RESPONSIVE; CEREBELLOPATHY, HEREDITARY PAROXYSMAL; EPISODIC ATAXIA, NYSTAGMUS-ASSOCIATED; ACETAZOLAMIDE-RESPONSIVE HEREDITARY PAROXYSMAL CEREBELLAR ATAXIA; ATAXIA, EPISODIC, WITH NYSTAGMUS; ATAXIA, FAMILIAL PAROXYSMAL. Identifiers: Orphanet 97, MedGen C1720416, MONDO:0007163, OMIM 108500.
Developmental and epileptic encephalopathy, 42 (DEE42A). Also called: Epileptic encephalopathy, early infantile, 42; DEVELOPMENTAL AND EPILEPTIC ENCEPHALOPATHY 42A; EPILEPTIC ENCEPHALOPATHY, EARLY INFANTILE, 42A. Identifiers: MedGen C4310716, MONDO:0014917, OMIM 617106.

Submission:

Labcorp Genetics (formerly Invitae), Labcorp
Classification: Pathogenic for Developmental and epileptic encephalopathy, 42; Episodic ataxia type 2. Last evaluated: 2024-04-17. Review status: criteria provided, single submitter. Criteria: Invitae Variant Classification Sherloc (09022015). Collection method: clinical testing. Allele origin: germline.
Comment: This sequence change creates a premature translational stop signal (p.Phe453Serfs*45) in the CACNA1A gene. It is expected to result in an absent or disrupted protein product. Loss-of-function variants in CACNA1A are known to be pathogenic (PMID: 10371528, 19486177, 25735478, 27250579). This variant is not present in population databases (gnomAD no frequency). This variant has not been reported in the literature in individuals affected with CACNA1A-related conditions. For these reasons, this variant has been classified as Pathogenic.

Literature cited by the submitters: PubMed 10371528; PubMed 19486177; PubMed 25735478; PubMed 27250579.